The following is an entry in ClinVar:

NM_178859.4(SLC51B):c.187A>C (p.Arg63=)

Genes: RASL12 (RAS like family 12; minus strand), SLC51B (SLC51 subunit beta; plus strand). Cytogenetic location: 15q22.31.
Variant type: single nucleotide variant.
Coding change: c.187A>C on transcript NM_178859.4 (MANE Select); coding-DNA position 187, A replaced by C.
Protein change: p.Arg63=; no amino-acid change (arginine 63 retained).
Molecular consequence: synonymous variant.
Genome position (GRCh38, 1-based): chr15:65,051,604, A>C. VCF-style: chr15-65051604-A-C. GRCh37 (hg19) VCF-style: chr15-65343942-A-C.
Identifiers: ClinVar variation 3702257 (VCV003702257.2).

ClinVar aggregate classification (germline): Uncertain significance (1 of 4 stars; one submission).

Submission:

Labcorp Genetics (formerly Invitae), Labcorp
Classification: Uncertain significance. Last evaluated: 2024-10-09. Review status: criteria provided, single submitter. Criteria: Invitae Variant Classification Sherloc (09022015). Collection method: clinical testing. Allele origin: germline.
Comment: This sequence change affects codon 63 of the SLC51B mRNA. It is a 'silent' change, meaning that it does not change the encoded amino acid sequence of the SLC51B protein. It affects a nucleotide within the consensus splice site. This variant is not present in population databases (gnomAD no frequency). This variant has not been reported in the literature in individuals affected with SLC51B-related conditions. Algorithms developed to predict the effect of sequence changes on RNA splicing suggest that this variant is not likely to affect RNA splicing. In summary, the available evidence is currently insufficient to determine the role of this variant in disease. Therefore, it has been classified as a Variant of Uncertain Significance.